The following is an entry in ClinVar:

NM_014844.5(TECPR2):c.2934C>T (p.Ser978=)

Gene: TECPR2 (tectonin beta-propeller repeat containing 2; plus strand). Cytogenetic location: 14q32.31.
Variant type: single nucleotide variant.
Coding change: c.2934C>T on transcript NM_014844.5 (MANE Select); coding-DNA position 2934, C replaced by T.
Protein change: p.Ser978=; no amino-acid change (serine 978 retained).
Molecular consequence: synonymous variant.
Genome position (GRCh38, 1-based): chr14:102,445,806, C>T. VCF-style: chr14-102445806-C-T. GRCh37 (hg19) VCF-style: chr14-102912143-C-T.
Other names: c.2934C>T, p.Ser978= (NM_001172631.3); c.2934C>T (NM_014844.3).
Identifiers: ClinVar variation 2200657 (VCV002200657.3), dbSNP rs766701687, ClinGen allele CA7358099.

ClinVar aggregate classification (germline): Conflicting classifications of pathogenicity. Review status: criteria provided, conflicting classifications (1 of 4 stars). 2 submissions from 2 submitters: Uncertain significance (1); Likely benign (1). Last evaluated 2025-08-04.

Conditions:
Inborn genetic diseases. Identifiers: MedGen C0950123, MeSH D030342.
Hereditary spastic paraplegia 49 (HSAN9). Also called: NEUROPATHY, HEREDITARY SENSORY AND AUTONOMIC, TYPE IX, WITH DEVELOPMENTAL DELAY; Spastic paraplegia 49, autosomal recessive; TECPR2-Related Hereditary Sensory and Autonomic Neuropathy with Intellectual Disability. Identifiers: Orphanet 320385, MedGen C5190860, MONDO:0014016, OMIM 615031.

Allele frequency attached by ClinVar (database versions not stated): gnomAD 0.00001; TOPMed 0.00001; ExAC 0.00002; gnomAD exomes 0.00002.
gnomAD v4.1: 24 of 1,613,070 alleles (0.0015%); highest among the groups gnomAD compares: Middle Eastern, 0.016%; no homozygotes.

Submissions (2):

Ambry Genetics
Classification: Likely benign for Inborn genetic diseases. Last evaluated: 2025-08-04. Review status: criteria provided, single submitter. Criteria: Ambry Variant Classification Scheme 2023. Collection method: clinical testing. Allele origin: germline.

Labcorp Genetics (formerly Invitae), Labcorp
Classification: Uncertain significance for Hereditary spastic paraplegia 49. Last evaluated: 2023-12-07. Review status: criteria provided, single submitter. Criteria: Invitae Variant Classification Sherloc (09022015). Collection method: clinical testing. Allele origin: germline.
Comment: This sequence change affects codon 978 of the TECPR2 mRNA. It is a 'silent' change, meaning that it does not change the encoded amino acid sequence of the TECPR2 protein. It affects a nucleotide within the consensus splice site. This variant is present in population databases (rs766701687, gnomAD 0.01%). This variant has not been reported in the literature in individuals affected with TECPR2-related conditions. ClinVar contains an entry for this variant (Variation ID: 2200657). Algorithms developed to predict the effect of sequence changes on RNA splicing suggest that this variant is not likely to affect RNA splicing. In summary, the available evidence is currently insufficient to determine the role of this variant in disease. Therefore, it has been classified as a Variant of Uncertain Significance.